The following is an entry in ClinVar:

ClinVar aggregate classification (germline): Uncertain significance. Review status: criteria provided, multiple submitters, no conflicts (2 of 4 stars). 3 submissions from 3 submitters: Uncertain significance (3). Last evaluated 2026-03-18.

Conditions:
Hereditary sensory and autonomic neuropathy type 7. Also called: HSAN VII; Neuropathy, hereditary sensory and autonomic, type VII. Identifiers: Orphanet 391397, MedGen C3809882, MONDO:0014244, OMIM 615548.
Familial episodic pain syndrome with predominantly lower limb involvement. Also called: Episodic pain syndrome, familial, 3. Identifiers: Orphanet 391384, Orphanet 391392, MedGen C3809899, MONDO:0014247, OMIM 615552.
SCN11A-related disorder. Also called: SCN11A-related condition.

Allele frequency attached by ClinVar (database versions not stated): gnomAD 0.00002; TOPMed 0.00003.
gnomAD v4.1: 18 of 1,613,232 alleles (0.0011%); highest among the groups gnomAD compares: Admixed American, 0.005%; no homozygotes.

Submissions (3):

PreventionGenetics, part of Exact Sciences
Classification: Uncertain significance for SCN11A-related condition. Last evaluated: 2026-03-18. Review status: criteria provided, single submitter. Criteria: ACMG Guidelines, 2015. Collection method: clinical testing. Allele origin: germline.
Comment: The SCN11A c.574C>T variant is predicted to result in premature protein termination (p.Arg192*). To our knowledge, this variant has not been reported in the literature. This variant is reported in 0.0092% of alleles in individuals of European (Finnish) descent in gnomAD. Gain-of-function variants in this gene have been associated with disease; it is yet unclear whether or not loss-of-function variants have any effect on phenotype (Zhang et al. 2013. PubMed ID:24207120). Many loss-of-function variants in SCN11A have been reported in the gnomAD database, indicating these variants are likely not causative for autosomal dominant disorders. At this time, the clinical significance of this variant is uncertain due to the absence of conclusive functional and genetic evidence.

CeGaT Center for Human Genetics Tuebingen
Classification: Uncertain significance. Last evaluated: 2025-08-01. Review status: criteria provided, single submitter. Criteria: CeGaT Center For Human Genetics Tuebingen Variant Classification Criteria Version 2. Collection method: clinical testing. Allele origin: germline. Affected: yes. Observed: 1 variant allele.
Comment: SCN11A: PM2

Labcorp Genetics (formerly Invitae), Labcorp
Classification: Uncertain significance for Familial episodic pain syndrome with predominantly lower limb involvement; Hereditary sensory and autonomic neuropathy type 7. Last evaluated: 2024-04-02. Review status: criteria provided, single submitter. Criteria: Invitae Variant Classification Sherloc (09022015). Collection method: clinical testing. Allele origin: germline.
Comment: This sequence change creates a premature translational stop signal (p.Arg192*) in the SCN11A gene. It is expected to result in an absent or disrupted protein product. However, the current clinical and genetic evidence is not sufficient to establish whether loss-of-function variants in SCN11A cause disease. This variant is present in population databases (no rsID available, gnomAD 0.009%). This variant has not been reported in the literature in individuals affected with SCN11A-related conditions. ClinVar contains an entry for this variant (Variation ID: 2143673). Algorithms developed to predict the effect of sequence changes on RNA splicing suggest that this variant may disrupt the consensus splice site. In summary, the available evidence is currently insufficient to determine the role of this variant in disease. Therefore, it has been classified as a Variant of Uncertain Significance.

NM_001349253.2(SCN11A):c.574C>T (p.Arg192Ter)

Gene: SCN11A (sodium voltage-gated channel alpha subunit 11; minus strand). Cytogenetic location: 3p22.2.
Variant type: single nucleotide variant.
Coding change: c.574C>T on transcript NM_001349253.2 (MANE Select); coding-DNA position 574, C replaced by T.
Protein change: p.Arg192Ter; replaces arginine 192 with a stop codon.
Molecular consequence: nonsense.
Genome position (GRCh38, 1-based): chr3:38,926,846, G>A on the plus strand (C>T on the coding strand, the complement: SCN11A is on the minus strand). VCF-style: chr3-38926846-G-A. GRCh37 (hg19) VCF-style: chr3-38968337-G-A.
Other names: c.574C>T (NM_014139.2); c.574C>T, p.Arg192Ter (NM_014139.3); short protein forms R192*.
Identifiers: ClinVar variation 2143673 (VCV002143673.13), dbSNP rs747189580, ClinGen allele CA352173671.
Genomic context (GRCh38, chr3:38,926,846, plus strand): 5'-ATCTTTAATATTCTTACGCTATTCCAATGACAATGGAGTCCAGCCAGTTCCATGGATCTC[G>A]AAGGAAAGAAAACTCATCCAGAATGAAACCTCTTGCCAATATTTTAATCAAAGCTTCAAA-3'